The following is an entry in ClinVar:

NM_025137.4(SPG11):c.6481C>T (p.Arg2161Trp)

Gene: SPG11 (SPG11 vesicle trafficking associated, spatacsin; minus strand). Cytogenetic location: 15q21.1.
Variant type: single nucleotide variant.
Coding change: c.6481C>T on transcript NM_025137.4 (MANE Select); coding-DNA position 6481, C replaced by T.
Protein change: p.Arg2161Trp; replaces arginine 2161 with tryptophan.
Molecular consequence: missense variant.
Genome position (GRCh38, 1-based): chr15:44,569,502, G>A on the plus strand (C>T on the coding strand, the complement: SPG11 is on the minus strand). VCF-style: chr15-44569502-G-A. GRCh37 (hg19) VCF-style: chr15-44861700-G-A.
Other names: c.6142C>T, p.Arg2048Trp (NM_001160227.2); short protein forms R2161W, R2048W.
Identifiers: ClinVar variation 534873 (VCV000534873.6), dbSNP rs773954273, ClinGen allele CA7534101.

ClinVar aggregate classification (germline): Uncertain significance. Review status: criteria provided, multiple submitters, no conflicts (2 of 4 stars). 3 submissions from 3 submitters: Uncertain significance (3). Last evaluated 2024-07-05.

Conditions:
Inborn genetic diseases. Identifiers: MedGen C0950123, MeSH D030342.
Hereditary spastic paraplegia 11. Also called: Nakamura Osame syndrome; Autosomal recessive hereditary spastic paraplegia, mental impairment, and thin corpus callosum; Spastic paraplegia, mental retardation and thin corpus callosum; SPASTIC PARAPLEGIA, AUTOSOMAL RECESSIVE, COMPLICATED, WITH THIN CORPUS CALLOSUM; SPASTIC PARAPLEGIA, AUTOSOMAL RECESSIVE, WITH MENTAL IMPAIRMENT AND THIN CORPUS CALLOSUM; Spastic Paraplegia 11. Identifiers: Orphanet 2822, MedGen C1858479, MONDO:0011445, OMIM 604360.

Allele frequency attached by ClinVar (database versions not stated): gnomAD exomes 0.00003 and 0.00007; TOPMed 0.00004; ExAC 0.00009.
gnomAD v4.1: 101 of 1,584,698 alleles (0.0064%); highest among the groups gnomAD compares: Admixed American, 0.014%; no homozygotes.

Submissions (3):

GeneDx
Classification: Uncertain significance. Last evaluated: 2024-07-05. Review status: criteria provided, single submitter. Criteria: GeneDx Variant Classification Process June 2021. Collection method: clinical testing. Allele origin: germline. Affected: yes.
Comment: In silico analysis supports that this missense variant has a deleterious effect on protein structure/function; Has not been previously published as pathogenic or benign to our knowledge

Ambry Genetics
Classification: Uncertain significance for Inborn genetic diseases. Last evaluated: 2022-08-30. Review status: criteria provided, single submitter. Criteria: Ambry Variant Classification Scheme 2023. Collection method: clinical testing. Allele origin: germline.

Labcorp Genetics (formerly Invitae), Labcorp
Classification: Uncertain significance for Hereditary spastic paraplegia 11. Last evaluated: 2022-07-19. Review status: criteria provided, single submitter. Criteria: Invitae Variant Classification Sherloc (09022015). Collection method: clinical testing. Allele origin: germline.
Comment: This sequence change replaces arginine, which is basic and polar, with tryptophan, which is neutral and slightly polar, at codon 2161 of the SPG11 protein (p.Arg2161Trp). The frequency data for this variant in the population databases is considered unreliable, as metrics indicate poor data quality at this position in the gnomAD database. This variant has not been reported in the literature in individuals affected with SPG11-related conditions. ClinVar contains an entry for this variant (Variation ID: 534873). Algorithms developed to predict the effect of missense changes on protein structure and function are either unavailable or do not agree on the potential impact of this missense change (SIFT: "Deleterious"; PolyPhen-2: "Probably Damaging"; Align-GVGD: "Class C15"). In summary, the available evidence is currently insufficient to determine the role of this variant in disease. Therefore, it has been classified as a Variant of Uncertain Significance.